The following is an entry in ClinVar:

ClinVar aggregate classification (germline): Uncertain significance (1 of 4 stars; one submission).

Conditions:
FRAXE. Also called: Intellectual developmental disorder, X-linked 109; FRAXE intellectual disability; Intellectual disability, X-linked, FRAXE type; FRAXE Syndrome; Fragile XE syndrome. Identifiers: Orphanet 100973, MedGen C0751157, MONDO:0010659, OMIM 309548. Disease mechanism: loss of function.

Allele frequency attached by ClinVar (database versions not stated): ExAC 0.00001; gnomAD exomes 0.00001.

Submission:

Victorian Clinical Genetics Services, Murdoch Childrens Research Institute
Classification: Uncertain significance for FRAXE. Last evaluated: 2022-02-02. Review status: criteria provided, single submitter. Criteria: ACMG Guidelines, 2015. Collection method: clinical testing. Allele origin: germline. Inheritance: X-linked recessive inheritance.
Comment: Based on the classification scheme VCGS_Germline_v1.3.4, this variant is classified as VUS-3C. Following criteria are met: 0102 - Loss of function is a likely mechanism of disease in this gene and is associated with X-linked intellectual developmental disorder 109 (MIM#309548). (I) 0109 - This gene is associated with X-linked recessive disease. (I) 0200 - Variant is predicted to result in a missense amino acid change from serine to asparagine. (I) 0253 - This variant is hemizygous. (I) 0304 - Variant is present in gnomAD (v2) <0.01 for a recessive condition (0 heterozygotes, 0 homozygotes, 1 hemizygote). (SP) 0503 - Missense variant consistently predicted to be tolerated by multiple in silico tools or not conserved in placental mammals with a minor amino acid change. (SB) 0604 - Variant is not located in an established domain, motif, hotspot or informative constraint region. (I) 0705 - No comparable missense variants have previous evidence for pathogenicity. (I) 0807 - This variant has no previous evidence of pathogenicity. (I) 0905 - No published segregation evidence has been identified for this variant. (I) 1007 - No published functional evidence has been identified for this variant. (I) 1208 - Inheritance information for this variant is not currently available in this individual. (I) Legend: (SP) - Supporting pathogenic, (I) - Information, (SB) - Supporting benign

NM_002025.4(AFF2):c.3164G>A (p.Ser1055Asn)

Gene: AFF2 (ALF transcription elongation factor 2; plus strand). Cytogenetic location: Xq28.
Variant type: single nucleotide variant.
Coding change: c.3164G>A on transcript NM_002025.4 (MANE Select); coding-DNA position 3164, G replaced by A.
Protein change: p.Ser1055Asn; replaces serine 1055 with asparagine.
Molecular consequence: missense variant.
Genome position (GRCh38, 1-based): chrX:148,967,040, G>A. VCF-style: chrX-148967040-G-A. GRCh37 (hg19) VCF-style: chrX-148048570-G-A.
Other names: c.3059G>A, p.Ser1020Asn (NM_001169122.2, NM_001169124.2); c.3134G>A, p.Ser1045Asn (NM_001169123.2); c.3047G>A, p.Ser1016Asn (NM_001169125.2); c.2087G>A, p.Ser696Asn (NM_001170628.1); short protein forms S1016N, S1020N, S1045N, S1055N, S696N.
Identifiers: ClinVar variation 1699495 (VCV001699495.3), dbSNP rs781968104, ClinGen allele CA10537253.
Genomic context (GRCh38, chrX:148,967,040, plus strand): 5'-TGGATAGCAGTCACCTGGAGATGACGTCCTGGGCGGCTCTGCCCCTTCTATCCAGCAGCA[G>A]CACTAATGTCCGGAGACCCAAGCTCACTTTTGATGACTCGTATGTTGTTCCAGATTATCA-3'
Protein context (NP_002016.2, residues 1045-1065): WAALPLLSSS[Ser1055Asn]TNVRRPKLTF